The following is an entry in ClinVar:

NM_000465.4(BARD1):c.627_628del (p.Lys209fs)

Gene: BARD1 (BRCA1 associated RING domain 1; minus strand). Cytogenetic location: 2q35.
Variant type: Deletion.
Coding change: c.627_628del on transcript NM_000465.4 (MANE Select); coding-DNA positions 627 to 628, 2 bases deleted (AA; older notation c.627_628delAA).
Protein change: p.Lys209fs; shifts the reading frame from lysine 209.
Molecular consequence: frameshift variant. On other transcripts: non-coding transcript variant (2), intron variant (3).
Genome position (GRCh38, 1-based): chr2:214,781,246-214,781,247, TT deleted on the plus strand (AA on the coding strand, the reverse complement: BARD1 is on the minus strand); deleting any 2 consecutive bases within chr2:214,781,246-214,781,249 gives the same sequence; the c. name uses the placement nearest the transcript's 3' end. VCF-style (leftmost placement, unchanged base first): chr2-214781245-GTT-G. GRCh37 (hg19) VCF-style: chr2-215645969-GTT-G.
Other names: c.627_628del (NM_000465.3, NM_000465.2); c.570_571del, p.Lys190fs (NM_001282543.2); c.158+28165_158+28166del (NM_001282548.2); c.215+15814_215+15815del (NM_001282545.2); c.364+11050_364+11051del (NM_001282549.2); short protein forms K190fs, K209fs.
Identifiers: ClinVar variation 219726 (VCV000219726.31), dbSNP rs864622223, ClinGen allele CA348196.

ClinVar aggregate classification (germline): Pathogenic/Likely pathogenic. Review status: criteria provided, multiple submitters, no conflicts (2 of 4 stars). 11 submissions from 11 submitters: Pathogenic (9); Likely pathogenic (2). Last evaluated 2025-12-26.

Conditions:
BARD1-related cancer predisposition. Identifiers: MedGen CN377756, MONDO:0700267.
Familial cancer of breast. Also called: Hereditary breast cancer; BREAST CANCER, FAMILIAL; hereditary breast carcinoma. Identifiers: Orphanet 227535, MedGen C0346153, MONDO:0016419, OMIM 114480. Disease mechanism: loss of function.
Hereditary cancer-predisposing syndrome. Also called: Hereditary neoplastic syndrome; Neoplastic Syndromes, Hereditary; Hereditary Cancer Syndrome; Tumor predisposition. Identifiers: Orphanet 140162, MedGen C0027672, MeSH D009386, MONDO:0015356.
Malignant tumor of breast. Also called: Cancer breast; Malignant breast neoplasm. Identifiers: MedGen C0006142, MONDO:0007254. Disease mechanism: loss of function.

Submissions (11):

Otogenetics
Classification: Pathogenic for Familial cancer of breast; BARD1-related cancer predisposition. Last evaluated: 2025-12-26. Review status: criteria provided, single submitter. Criteria: ACMG Guidelines, 2015. Collection method: clinical testing. Allele origin: germline.
Comment: PVS1: Frameshift indel introduces premature stop codon in gene with loss of function as mechanism of disease, predicted to undergo NMD; PS4: Prevalence of the variant in unrelated affected individuals is significantly increased compared to prevalence in controls (PMID: 26534844, 26786923); PM2: Maximum gnomAD MAF of 0.0005% in European-Non Finnish (NFE) subpopulation (<0.05% threshold)

Labcorp Genetics (formerly Invitae), Labcorp
Classification: Pathogenic for Familial cancer of breast. Last evaluated: 2025-12-14. Review status: criteria provided, single submitter. Criteria: Invitae Variant Classification Sherloc (09022015). Collection method: clinical testing. Allele origin: germline.
Comment: This sequence change creates a premature translational stop signal (p.Lys209Asnfs*4) in the BARD1 gene. It is expected to result in an absent or disrupted protein product. Loss-of-function variants in BARD1 are known to be pathogenic (PMID: 20077502, 21344236). This variant is present in population databases (no rsID available, gnomAD 0.0009%). This premature translational stop signal has been observed in individual(s) with breast cancer and ovarian cancer (PMID: 26315354, 26534844). ClinVar contains an entry for this variant (Variation ID: 219726). For these reasons, this variant has been classified as Pathogenic.

Quest Diagnostics Nichols Institute San Juan Capistrano
Classification: Likely pathogenic. Last evaluated: 2025-03-17. Review status: criteria provided, single submitter. Criteria: Quest Diagnostics criteria. Collection method: clinical testing. Allele origin: unknown.
Comment: The BARD1 c.627_628del (p.Lys209Asnfs*4) variant alters the translational reading frame of the BARD1 mRNA and is predicted to cause the premature termination of BARD1 protein synthesis. This variant has been reported in the published literature in individuals with breast and/or ovarian cancer (PMID: 26315354 (2015), 26786923 (2016), 26534844 (2016), 33471991 (2021), see also LOVD), testicular cancer (PMID: 35022142 (2022)), and adrenocortical carcinoma (PMID: 31644329 (2020)). The frequency of this variant in the general population (Genome Aggregation Database) is consistent with pathogenicity. Based on the available information, this variant is classified as likely pathogenic.

Color Diagnostics, LLC DBA Color Health
Classification: Pathogenic for Hereditary cancer-predisposing syndrome. Last evaluated: 2024-12-23. Review status: criteria provided, single submitter. Criteria: ACMG Guidelines, 2015. Collection method: clinical testing. Allele origin: germline.
Comment: This variant deletes 2 nucleotides in exon 4 of the BARD1 gene, creating a frameshift and premature translation stop signal. This variant is expected to result in an absent or non-functional protein product. To our knowledge, functional studies have not been reported for this variant. This variant has been reported in one individual each affected with ovarian and breast cancer (PMID: 26315354, 26534844). This variant also has been detected in a breast cancer case-control meta-analysis in 3/60466 cases and 3/53461 unaffected individuals (PMID: 33471991; Leiden Open Variation Database DB-ID PALB2_010550). This variant has been identified in 1/233042 chromosomes in the general population by the Genome Aggregation Database (gnomAD). Loss of BARD1 function is a known mechanism of disease. Based on the available evidence, this variant is classified as Pathogenic.

Ambry Genetics
Classification: Pathogenic for Hereditary cancer-predisposing syndrome. Last evaluated: 2024-12-03. Review status: criteria provided, single submitter. Criteria: Ambry Variant Classification Scheme 2023. Collection method: clinical testing. Allele origin: germline.
Comment: The c.627_628delAA pathogenic mutation, located in coding exon 4 of the BARD1 gene, results from a deletion of two nucleotides at nucleotide positions 627 and 628, causing a translational frameshift with a predicted alternate stop codon (p.K209Nfs*4). This alteration has been identified in high-risk breast and ovarian cancer cohorts (Ramus SJ et al. J. Natl. Cancer Inst. 2015 Nov;107(11); Li J et al. J. Med. Genet., 2016 Jan;53:34-42). This variant is considered to be rare based on population cohorts in the Genome Aggregation Database (gnomAD). In addition to the clinical data presented in the literature, this alteration is expected to result in loss of function by premature protein truncation or nonsense-mediated mRNA decay. As such, this alteration is interpreted as a disease-causing mutation.

Molecular Pathology, Peter Maccallum Cancer Centre
Classification: Pathogenic for BARD1-related cancer predisposition. Last evaluated: 2024-09-11. Review status: criteria provided, single submitter. Criteria: ACMG Guidelines, 2015. Collection method: clinical testing. Allele origin: germline. Inheritance: Autosomal dominant inheritance.

Baylor Genetics
Classification: Pathogenic for Familial cancer of breast. Last evaluated: 2024-03-13. Review status: criteria provided, single submitter. Criteria: ACMG Guidelines, 2015. Collection method: clinical testing. Allele origin: unknown.

Myriad Genetics, Inc.
Classification: Pathogenic for Familial cancer of breast. Last evaluated: 2023-05-19. Review status: criteria provided, single submitter. Criteria: Myriad Autosomal Dominant, Autosomal Recessive and X-Linked Classification Criteria (2023). Collection method: clinical testing. Allele origin: unknown.
Comment: This variant is considered pathogenic. This variant creates a frameshift predicted to result in premature protein truncation.

GeneDx
Classification: Likely pathogenic. Last evaluated: 2023-02-27. Review status: criteria provided, single submitter. Criteria: GeneDx Variant Classification Process June 2021. Collection method: clinical testing. Allele origin: germline. Affected: yes.
Comment: Frameshift variant predicted to result in protein truncation or nonsense mediated decay in a gene for which loss-of-function is a known mechanism of disease; Observed in individuals with breast or ovarian cancer (Ramus et al., 2015; Li et al., 2016; Thompson et al., 2016); Not observed at a significant frequency in large population cohorts (gnomAD); This variant is associated with the following publications: (PMID: 26315354, 26534844, 35022142, 33804961, 33471991, 26786923, 29922827)

Women's Health and Genetics/Laboratory Corporation of America, LabCorp
Classification: Pathogenic for Malignant tumor of breast. Last evaluated: 2022-01-13. Review status: criteria provided, single submitter. Criteria: LabCorp Variant Classification Summary - May 2015. Collection method: clinical testing. Allele origin: germline.
Comment: Variant summary: BARD1 c.627_628delAA (p.Lys209AsnfsX4) results in a premature termination codon, predicted to cause a truncation of the encoded protein or absence of the protein due to nonsense mediated decay, which are commonly known mechanisms for disease. Truncations downstream of this position have been classified as pathogenic by our laboratory. The variant allele was found at a frequency of 4.3e-06 in 233042 control chromosomes (gnomAD). c.627_628delAA has been reported in the literature in multiple individuals affected with breast- or ovarian cancer (examples: Ramus_2015, Li_2016, Thompson_2016, and Dorling_2021). These data indicate that the variant is likely associated with disease. To our knowledge, no experimental evidence demonstrating an impact on protein function has been reported. Four clinical diagnostic laboratories have submitted clinical-significance assessments for this variant to ClinVar after 2014 and classified the variant as pathogenic (n=3) / likely pathogenic (n=1). Based on the evidence outlined above, the variant was classified as pathogenic.

Department of Pathology and Laboratory Medicine, Sinai Health System
Classification: Pathogenic for BARD1-related cancer predisposition. Last evaluated: 2020-08-27. Review status: criteria provided, single submitter. Criteria: ACMG Guidelines, 2015. Collection method: clinical testing. Allele origin: germline. Affected: yes.

Literature cited by the submitters: PubMed 26534844 (cited by 7 submitters); PubMed 26786923 (cited by 3 submitters); PubMed 20077502 (cited by Labcorp Genetics (formerly Invitae), Labcorp); PubMed 21344236 (cited by Labcorp Genetics (formerly Invitae), Labcorp); PubMed 26315354 (cited by 6 submitters); PubMed 31644329 (cited by Quest Diagnostics Nichols Institute San Juan Capistrano); PubMed 33471991 (cited by 3 submitters); PubMed 35022142 (cited by Quest Diagnostics Nichols Institute San Juan Capistrano).